The following is an entry in ClinVar:

NM_001257293.2(HNRNPH1):c.592C>G (p.Pro198Ala)

Genes: HNRNPH1 (heterogeneous nuclear ribonucleoprotein H1; minus strand), LOC128966623 (uncharacterized LOC128966623; plus strand). Cytogenetic location: 5q35.3.
Variant type: single nucleotide variant.
Coding change: c.592C>G on transcript NM_001257293.2 (MANE Select); coding-DNA position 592, C replaced by G.
Protein change: p.Pro198Ala; replaces proline 198 with alanine.
Molecular consequence: missense variant. On other transcripts: 5 prime UTR variant (7), intron variant (3).
Genome position (GRCh38, 1-based): chr5:179,618,268, G>C on the plus strand (C>G on the coding strand, the complement: HNRNPH1 is on the minus strand). VCF-style: chr5-179618268-G-C. GRCh37 (hg19) VCF-style: chr5-179045269-G-C.
Other names: c.592C>G, p.Pro198Ala (NM_001363572.2, NM_001364225.2, NM_001364226.2 and 36 more transcripts); c.436C>G, p.Pro146Ala (NM_001364250.2); c.-12C>G (NM_001364251.2, NM_001364252.2, NM_001364253.2 and 4 more transcripts); c.361C>G, p.Pro121Ala (NM_001395190.1); c.398-357C>G (NM_001395193.1); c.398-208C>G (NM_001395191.1, NM_001395192.1); short protein forms P121A, P146A, P198A.
Identifiers: ClinVar variation 3343617 (VCV003343617.1).

ClinVar aggregate classification (germline): Uncertain significance (1 of 4 stars; one submission).

Submission:

GeneDx
Classification: Uncertain significance. Last evaluated: 2023-05-23. Review status: criteria provided, single submitter. Criteria: GeneDx Variant Classification Process June 2021. Collection method: clinical testing. Allele origin: germline. Affected: yes.
Comment: Not observed at significant frequency in large population cohorts (gnomAD); In silico analysis supports that this missense variant has a deleterious effect on protein structure/function; Has not been previously published as pathogenic or benign to our knowledge